The following is an entry in ClinVar:

NM_022124.6(CDH23):c.617A>G (p.Asn206Ser)

Gene: CDH23 (cadherin related 23; plus strand). Cytogenetic location: 10q22.1.
Variant type: single nucleotide variant.
Coding change: c.617A>G on transcript NM_022124.6 (MANE Select); coding-DNA position 617, A replaced by G.
Protein change: p.Asn206Ser; replaces asparagine 206 with serine.
Molecular consequence: missense variant.
Genome position (GRCh38, 1-based): chr10:71,566,929, A>G. VCF-style: chr10-71566929-A-G. GRCh37 (hg19) VCF-style: chr10-73326686-A-G.
Other names: c.617A>G, p.Asn206Ser (NM_001171930.2, NM_001171931.2, NM_001171932.2 and 1 more transcripts); short protein forms N206S.
Identifiers: ClinVar variation 2136137 (VCV002136137.3), dbSNP rs528880720, ClinGen allele CA377112322.
Genomic context (GRCh38, chr10:71,566,929, plus strand): 5'-TCGTCACAGTGATCCGGGAGCTGGACTACGAGACCACACAGGCCTACCAGCTCACGGTCA[A>G]CGCCACAGTGAGTCTCCATGCTGGGGCCCCGGCCGTCCCAGCTGCCTCTTCCCACCCTGG-3'
Protein context (NP_071407.4, residues 196-216): ETTQAYQLTV[Asn206Ser]ATDQDKTRPL

ClinVar aggregate classification (germline): Uncertain significance. Review status: criteria provided, multiple submitters, no conflicts (2 of 4 stars). 3 submissions from 3 submitters: Uncertain significance (3). Last evaluated 2024-08-05.

Conditions:
Inborn genetic diseases. Identifiers: MedGen C0950123, MeSH D030342.

gnomAD v4.1: 3 of 1,612,238 alleles (0.00019%); highest among the groups gnomAD compares: East Asian, 0.0067%; no homozygotes.

Submissions (3):

Ambry Genetics
Classification: Uncertain significance for Inborn genetic diseases. Last evaluated: 2024-08-05. Review status: criteria provided, single submitter. Criteria: Ambry Variant Classification Scheme 2023. Collection method: clinical testing. Allele origin: germline.

Blueprint Genetics
Classification: Uncertain significance. Last evaluated: 2024-05-02. Review status: criteria provided, single submitter. Criteria: ACMG Guidelines, 2015. Collection method: clinical testing. Allele origin: germline.

GeneDx
Classification: Uncertain significance. Last evaluated: 2022-07-18. Review status: criteria provided, single submitter. Criteria: GeneDx Variant Classification Process June 2021. Collection method: clinical testing. Allele origin: germline. Affected: yes.
Comment: Not observed at significant frequency in large population cohorts (gnomAD); In silico analysis supports that this missense variant does not alter protein structure/function; In silico analysis suggests this variant may impact gene splicing. In the absence of RNA/functional studies, the actual effect of this sequence change is unknown.; Has not been previously published as pathogenic or benign to our knowledge